The following is an entry in ClinVar:

NM_015443.4(KANSL1):c.2000del (p.Pro667fs)

Gene: KANSL1 (KAT8 regulatory NSL complex subunit 1). Cytogenetic location: 17q21.31.
Variant type: Deletion.
Coding change: c.2000del on transcript NM_015443.4 (MANE Select); coding-DNA position 2000, one base deleted.
Protein change: p.Pro667fs; shifts the reading frame from proline 667.
Molecular consequence: frameshift variant.
Genome position: GRCh38 VCF-style: chr17-46050552-AG-A. GRCh37 (hg19) VCF-style: chr17-44127918-AG-A.
Other names: c.2000del, p.Pro667fs (NM_001193465.2, NM_001193466.2, NM_001379198.1 and 14 more transcripts); c.1898del, p.Pro633fs (NM_001405859.1, NM_001405860.1, NM_001405861.1 and 1 more transcripts); c.734del, p.Pro245fs (NM_001405882.1, NM_001405883.1, NM_001405884.1 and 1 more transcripts); short protein forms P245fs, P633fs, P667fs.
Identifiers: ClinVar variation 4071614 (VCV004071614.1).

ClinVar aggregate classification (germline): Pathogenic (1 of 4 stars; one submission).

Submission:

GeneDx
Classification: Pathogenic. Last evaluated: 2025-01-27. Review status: criteria provided, single submitter. Criteria: GeneDx Variant Classification Process June 2021. Collection method: clinical testing. Allele origin: germline. Affected: yes.
Comment: Frameshift variant predicted to result in protein truncation or nonsense mediated decay in a gene for which loss of function is a known mechanism of disease; Not observed at significant frequency in large population cohorts (gnomAD); Has not been previously published as pathogenic or benign to our knowledge